The following is an entry in ClinVar:

NM_177438.3(DICER1):c.4462T>G (p.Ser1488Ala)

Gene: DICER1 (dicer 1, ribonuclease III; minus strand). Cytogenetic location: 14q32.13.
Variant type: single nucleotide variant.
Coding change: c.4462T>G on transcript NM_177438.3 (MANE Select); coding-DNA position 4462, T replaced by G.
Protein change: p.Ser1488Ala; replaces serine 1488 with alanine.
Molecular consequence: missense variant. On other transcripts: non-coding transcript variant (6).
Genome position (GRCh38, 1-based): chr14:95,096,458, A>C on the plus strand (T>G on the coding strand, the complement: DICER1 is on the minus strand). VCF-style: chr14-95096458-A-C. GRCh37 (hg19) VCF-style: chr14-95562795-A-C.
Other names: c.4462T>G, p.Ser1488Ala (NM_001395693.1, NM_001395694.1, NM_001395695.1 and 13 more transcripts); c.4057T>G, p.Ser1353Ala (NM_001395696.1, NM_001395687.1, NM_001395688.1 and 2 more transcripts); c.2779T>G, p.Ser927Ala (NM_001395697.1); c.4180T>G, p.Ser1394Ala (NM_001395686.1); c.3895T>G, p.Ser1299Ala (NM_001395691.1); short protein forms S1488A, S1299A, S1353A, S1394A, S927A.
Identifiers: ClinVar variation 2758280 (VCV002758280.4), dbSNP rs2139849969, ClinGen allele CA390868312.

ClinVar aggregate classification (germline): Uncertain significance. Review status: criteria provided, multiple submitters, no conflicts (2 of 4 stars). 2 submissions from 2 submitters: Uncertain significance (2). Last evaluated 2023-11-09.

Conditions:
DICER1-related tumor predisposition. Also called: DICER1-related pleuropulmonary blastoma cancer predisposition syndrome; DICER1 syndrome. Identifiers: Orphanet 284343, MedGen C3839822, MONDO:0100216.
Hereditary cancer-predisposing syndrome. Also called: Neoplastic Syndromes, Hereditary; Tumor predisposition; Hereditary neoplastic syndrome; Hereditary Cancer Syndrome. Identifiers: Orphanet 140162, MedGen C0027672, MeSH D009386, MONDO:0015356.

Submissions (2):

Ambry Genetics
Classification: Uncertain significance for Hereditary cancer-predisposing syndrome. Last evaluated: 2023-11-09. Review status: criteria provided, single submitter. Criteria: Ambry Variant Classification Scheme 2023. Collection method: clinical testing. Allele origin: germline.
Comment: The p.S1488A variant (also known as c.4462T>G), located in coding exon 22 of the DICER1 gene, results from a T to G substitution at nucleotide position 4462. The serine at codon 1488 is replaced by alanine, an amino acid with similar properties. This amino acid position is conserved. In addition, this alteration is predicted to be tolerated by in silico analysis. Since supporting evidence is limited at this time, the clinical significance of this alteration remains unclear.

Labcorp Genetics (formerly Invitae), Labcorp
Classification: Uncertain significance for DICER1-related tumor predisposition. Last evaluated: 2023-09-05. Review status: criteria provided, single submitter. Criteria: Invitae Variant Classification Sherloc (09022015). Collection method: clinical testing. Allele origin: germline.
Comment: This sequence change replaces serine, which is neutral and polar, with alanine, which is neutral and non-polar, at codon 1488 of the DICER1 protein (p.Ser1488Ala). In summary, the available evidence is currently insufficient to determine the role of this variant in disease. Therefore, it has been classified as a Variant of Uncertain Significance. Algorithms developed to predict the effect of missense changes on protein structure and function output the following: SIFT: "Not Available"; PolyPhen-2: "Benign"; Align-GVGD: "Not Available". The alanine amino acid residue is found in multiple mammalian species, which suggests that this missense change does not adversely affect protein function. This variant has not been reported in the literature in individuals affected with DICER1-related conditions. This variant is not present in population databases (gnomAD no frequency).